The following is an entry in ClinVar:

ClinVar aggregate classification (germline): Conflicting classifications of pathogenicity. Review status: criteria provided, conflicting classifications (1 of 4 stars). 10 submissions from 10 submitters: Uncertain significance (5); Likely benign (4). 1 of the submissions does not count toward it. Last evaluated 2025-12-21.

Conditions:
Breast and/or ovarian cancer. Identifiers: MedGen CN221562.
Hereditary cancer-predisposing syndrome. Also called: Tumor predisposition; Hereditary Cancer Syndrome; Neoplastic Syndromes, Hereditary; Hereditary neoplastic syndrome. Identifiers: Orphanet 140162, MedGen C0027672, MeSH D009386, MONDO:0015356.
Peutz-Jeghers syndrome (PJS). Also called: POLYPOSIS, HAMARTOMATOUS INTESTINAL; POLYPS-AND-SPOTS SYNDROME; Peutz-Jeghers polyposis; Periorificial lentiginosis syndrome. Identifiers: Orphanet 2869, MedGen C0031269, MeSH D010580, MONDO:0008280, OMIM 175200.

Allele frequency attached by ClinVar (database versions not stated): gnomAD exomes below 0.00001; gnomAD 0.00001; TOPMed 0.00002.
gnomAD v4.1: 30 of 1,607,162 alleles (0.0019%); highest among the groups gnomAD compares: African/African-American, 0.004%; no homozygotes.

Submissions (10):

Labcorp Genetics (formerly Invitae), Labcorp
Classification: Likely benign for Peutz-Jeghers syndrome. Last evaluated: 2025-12-21. Review status: criteria provided, single submitter. Criteria: Invitae Variant Classification Sherloc (09022015). Collection method: clinical testing. Allele origin: germline.

All of Us Research Program, National Institutes of Health
Classification: Likely benign for Peutz-Jeghers syndrome. Last evaluated: 2024-09-23. Review status: criteria provided, single submitter. Criteria: ACMG Guidelines, 2015. Collection method: clinical testing. Allele origin: germline. Inheritance: Autosomal dominant inheritance. Observed: 1 variant allele, 1 heterozygote.
Comment: This study involves interpretation of variants in research participants for the purpose of population health screening. Participant phenotype was not available at the time of variant classification. Additional details can be found in publication PMID: 35346344, PMCID: PMC8962531

Color Diagnostics, LLC DBA Color Health
Classification: Likely benign for Hereditary cancer-predisposing syndrome. Last evaluated: 2024-09-19. Review status: criteria provided, single submitter. Criteria: ACMG Guidelines, 2015. Collection method: clinical testing. Allele origin: germline.

Quest Diagnostics Nichols Institute San Juan Capistrano
Classification: Uncertain significance. Last evaluated: 2024-02-08. Review status: criteria provided, single submitter. Criteria: Quest Diagnostics criteria. Collection method: clinical testing. Allele origin: unknown.
Comment: The STK11 c.1189G>T (p.Ala397Ser) variant has been reported in the published literature in an individual with colorectal cancer (PMID: 28135145 (2017)). Additionally, a functional study suggests that the variant is not damaging to protein function (PMID: 34849607 (2021)). The frequency of this variant in the general population, 0.0000043 (1/232750 chromosomes (Genome Aggregation Database)), is uninformative in the assessment of its pathogenicity. Analysis of this variant using bioinformatics tools for the prediction of the effect of amino acid changes on protein structure and function yielded predictions that this variant is benign. Based on the available information, we are unable to determine the clinical significance of this variant.

GeneDx
Classification: Uncertain significance. Last evaluated: 2023-11-22. Review status: criteria provided, single submitter. Criteria: GeneDx Variant Classification Process June 2021. Collection method: clinical testing. Allele origin: germline. Affected: yes.
Comment: Not observed at significant frequency in large population cohorts (gnomAD); In silico analysis supports that this missense variant does not alter protein structure/function; Published functional studies demonstrate retained autophosphorylation activity (PMID: 34849607); Observed in an individual with colorectal cancer (PMID: 28135145); This variant is associated with the following publications: (PMID: 34849607, 28135145)

CHEO Genetics Diagnostic Laboratory, Children's Hospital of Eastern Ontario
Classification: Uncertain significance for Breast and/or ovarian cancer. Last evaluated: 2023-06-05. Review status: criteria provided, single submitter. Criteria: ACMG Guidelines, 2015. Collection method: clinical testing. Allele origin: germline.

Women's Health and Genetics/Laboratory Corporation of America, LabCorp
Classification: Uncertain significance. Last evaluated: 2023-05-30. Review status: criteria provided, single submitter. Criteria: LabCorp Variant Classification Summary - May 2015. Collection method: clinical testing. Allele origin: germline.
Comment: Variant summary: STK11 c.1189G>T (p.Ala397Ser) results in a conservative amino acid change in the encoded protein sequence. Five of five in-silico tools predict a benign effect of the variant on protein function. The variant allele was found at a frequency of 4.3e-06 in 232750 control chromosomes (gnomAD). The available data on variant occurrences in the general population are insufficient to allow any conclusion about variant significance. c.1189G>T has been reported in the literature in an individual affected with Colorectal Cancer, however authors classified the variant as VUS (Yurgelun_2017). These report(s) do not provide unequivocal conclusions about association of the variant with Peutz-Jeghers Syndrome. At least one publication reports experimental evidence evaluating an impact on protein function. These results showed no damaging effect of this variant (example: Donnelly_2021). The following publications have been ascertained in the context of this evaluation (PMID: 34849607, 28135145). Seven clinical diagnostic laboratories have submitted clinical-significance assessments for this variant to ClinVar after 2014 and classified the variant as VUS (n=4) or likely benign (n=3). Based on the evidence outlined above, the variant was classified as VUS-possibly benign.

Genome-Nilou Lab
Classification: Uncertain significance for Peutz-Jeghers syndrome. Last evaluated: 2021-07-15. Review status: criteria provided, single submitter. Criteria: ACMG Guidelines, 2015. Collection method: clinical testing. Allele origin: germline. Affected: no.

Ambry Genetics
Classification: Likely benign for Hereditary cancer-predisposing syndrome. Last evaluated: 2019-02-21. Review status: criteria provided, single submitter. Criteria: Ambry Variant Classification Scheme 2023. Collection method: clinical testing. Allele origin: germline.

Department of Pathology and Laboratory Medicine, Sinai Health System
Classification: Uncertain significance. Review status: no assertion criteria provided. Collection method: clinical testing. Allele origin: unknown. Affected: yes. Study: The Canadian Open Genetics Repository (COGR). Not counted in ClinVar's aggregate classification.
Comment: The STK11 p.Ala397Ser variant was identified in 1 of 2116 proband chromosomes (frequency: 0.00047) from individuals or families with colorectal cancer (Yurgelun 2017). The variant was also identified in dbSNP (ID: rs587780008) as â€šÃ„ÃºWith Uncertain significance alleleâ€šÃ„Ã¹, in ClinVar (as likely benign by Ambry Genetics and uncertain significance by GeneDx and Invitae). The variant was not identified in LOVD 3.0. The variant was identified in control databases in 1 of 229962 chromosomes at a frequency of 0.000004 (Genome Aggregation Database Feb 27, 2017). The variant was observed in the following population: African in 1 of 13284 chromosomes (freq: 0.00008), while the variant was not observed in the Other, Latino, European (Non-Finnish), Ashkenazi Jewish, East Asian, Finnish, or South Asian populations. The p.Ala397 residue is not conserved in mammals and the variant amino acid Serine is present in dog and fruitfly, increasing the likelihood that this variant does not have clinical significance. Computational analyses (PolyPhen-2, SIFT, AlignGVGD, BLOSUM, MutationTaster) do not suggest a high likelihood of impact to the protein; however, this information is not predictive enough to rule out pathogenicity. The variant occurs outside of the splicing consensus sequence and in silico or computational prediction software programs (SpliceSiteFinder, MaxEntScan, NNSPLICE, GeneSplicer) do not predict a difference in splicing. In summary, based on the above information the clinical significance of this variant cannot be determined with certainty at this time. This variant is classified as a variant of uncertain significance.

Literature cited by the submitters: PubMed 28135145 (cited by 3 submitters); PubMed 34849607 (cited by Quest Diagnostics Nichols Institute San Juan Capistrano and Women's Health and Genetics/Laboratory Corporation of America, LabCorp).

NM_000455.5(STK11):c.1189G>T (p.Ala397Ser)

Gene: STK11 (serine/threonine kinase 11; plus strand). Cytogenetic location: 19p13.3.
Variant type: single nucleotide variant.
Coding change: c.1189G>T on transcript NM_000455.5 (MANE Select); coding-DNA position 1189, G replaced by T.
Protein change: p.Ala397Ser; replaces alanine 397 with serine.
Molecular consequence: missense variant.
Genome position (GRCh38, 1-based): chr19:1,226,534, G>T. VCF-style: chr19-1226534-G-T. GRCh37 (hg19) VCF-style: chr19-1226533-G-T.
Other names: p.A397S:GCG>TCG; short protein forms A397S.
Identifiers: ClinVar variation 127699 (VCV000127699.31), dbSNP rs587780008, ClinGen allele CA022429.